The following is an entry in ClinVar:

ClinVar aggregate classification (germline): Likely benign. Review status: criteria provided, multiple submitters, no conflicts (2 of 4 stars). 2 submissions from 2 submitters: Likely benign (2). Last evaluated 2026-09-01.

Allele frequency attached by ClinVar (database versions not stated): gnomAD exomes 0.00003 and 0.00007; ExAC 0.00005; TOPMed 0.00016; gnomAD 0.00018 and 0.00019.
gnomAD v4.1: 70 of 1,613,926 alleles (0.0043%); highest among the groups gnomAD compares: African/African-American, 0.04%; no homozygotes.

Submissions (2):

CeGaT Center for Human Genetics Tuebingen
Classification: Likely benign. Last evaluated: 2026-09-01. Review status: criteria provided, single submitter. Criteria: CeGaT Center For Human Genetics Tuebingen Variant Classification Criteria Version 2. Collection method: clinical testing. Allele origin: germline. Affected: yes. Observed: 1 variant allele.
Comment: FAT4: BP4, BP7

Labcorp Genetics (formerly Invitae), Labcorp
Classification: Likely benign. Last evaluated: 2025-11-27. Review status: criteria provided, single submitter. Criteria: Invitae Variant Classification Sherloc (09022015). Collection method: clinical testing. Allele origin: germline.

NM_001291303.3(FAT4):c.12777C>T (p.Gly4259=)

Gene: FAT4 (FAT atypical cadherin 4; plus strand). Cytogenetic location: 4q28.1.
Variant type: single nucleotide variant.
Coding change: c.12777C>T on transcript NM_001291303.3 (MANE Select); coding-DNA position 12777, C replaced by T.
Protein change: p.Gly4259=; no amino-acid change (glycine 4259 retained).
Molecular consequence: synonymous variant.
Genome position (GRCh38, 1-based): chr4:125,481,693, C>T. VCF-style: chr4-125481693-C-T. GRCh37 (hg19) VCF-style: chr4-126402848-C-T.
Other names: c.12777C>T, p.Gly4259= (NM_001291285.3); c.12771C>T, p.Gly4257= (NM_024582.6).
Identifiers: ClinVar variation 749042 (VCV000749042.10), dbSNP rs558612271, ClinGen allele CA3074178.